The following is an entry in ClinVar:

ClinVar aggregate classification (germline): Benign/Likely benign. Review status: criteria provided, multiple submitters, no conflicts (2 of 4 stars). 4 submissions from 4 submitters: Benign (1); Likely benign (3). Last evaluated 2026-02-03.

Conditions:
Cardiovascular phenotype. Identifiers: MedGen CN230736.
Familial hypobetalipoproteinemia 1. Also called: Hypobetalipoproteinemia, normotriglyceridemic; Acanthocytosis with hypobetalipoproteinemia; APOB-Related Familial Hypobetalipoproteinemia. Identifiers: MedGen C4551990, MONDO:0014252, OMIM 615558.
Hypercholesterolemia, autosomal dominant, type B (FHCL2). Also called: Familial Hypercholesterolemia Type B; APOLIPOPROTEIN B-100, FAMILIAL DEFECTIVE; APOLIPOPROTEIN B-100, FAMILIAL LIGAND-DEFECTIVE; APOB-Related Familial Hypercholesterolemia, Autosomal Dominant; Hyperlipoproteinemia Type IIb; HYPERCHOLESTEROLEMIA, FAMILIAL, DUE TO LIGAND-DEFECTIVE APOLIPOPROTEIN B. Identifiers: MedGen C1704417, MONDO:0007751, OMIM 144010.

Allele frequency attached by ClinVar (database versions not stated): TOPMed 0.00004; gnomAD 0.00013; 1000 Genomes Project 30x 0.00078; 1000 Genomes Project 0.00080.
gnomAD v4.1: 46 of 1,614,246 alleles (0.0028%); highest among the groups gnomAD compares: East Asian, 0.051%; 1 homozygote.

Submissions (4):

Labcorp Genetics (formerly Invitae), Labcorp
Classification: Benign for Familial hypobetalipoproteinemia 1; Hypercholesterolemia, autosomal dominant, type B. Last evaluated: 2026-02-03. Review status: criteria provided, single submitter. Criteria: Invitae Variant Classification Sherloc (09022015). Collection method: clinical testing. Allele origin: germline.

Molecular Diagnostic Laboratory for Inherited Cardiovascular Disease, Montreal Heart Institute
Classification: Likely benign. Last evaluated: 2025-04-09. Review status: criteria provided, single submitter. Criteria: ACMG Guidelines, 2015. Collection method: clinical testing. Allele origin: germline. Affected: no.
Comment: BP6;BP7

Blueprint Genetics
Classification: Likely benign. Last evaluated: 2024-10-22. Review status: criteria provided, single submitter. Criteria: ACMG Guidelines, 2015. Collection method: clinical testing. Allele origin: germline.

Ambry Genetics
Classification: Likely benign for Cardiovascular phenotype. Last evaluated: 2022-05-06. Review status: criteria provided, single submitter. Criteria: Ambry Variant Classification Scheme 2023. Collection method: clinical testing. Allele origin: germline.

NM_000384.3(APOB):c.4371A>G (p.Ala1457=)

Gene: APOB (apolipoprotein B; minus strand). Cytogenetic location: 2p24.1.
Variant type: single nucleotide variant.
Coding change: c.4371A>G on transcript NM_000384.3 (MANE Select); coding-DNA position 4371, A replaced by G.
Protein change: p.Ala1457=; no amino-acid change (alanine 1457 retained).
Molecular consequence: synonymous variant.
Genome position (GRCh38, 1-based): chr2:21,012,497, T>C on the plus strand (A>G on the coding strand, the complement: APOB is on the minus strand). VCF-style: chr2-21012497-T-C. GRCh37 (hg19) VCF-style: chr2-21235369-T-C.
Identifiers: ClinVar variation 630516 (VCV000630516.19), dbSNP rs201206305, ClinGen allele CA060942.
Genomic context (GRCh38, chr2:21,012,497, plus strand): 5'-CTGTTTCTTTTTGGAGTCCAAATGAACTGAAGCAGACATCTGTGGTCCCCAGGAACTAGA[T>C]GCATCGAATATTAGTAAACCTTTTGAGACTGGGTTGTTTCCAAGTTTTTCTACATGACTG-3'
Protein context (NP_000375.3, residues 1447-1467): PVSKGLLIFD[Ala1457=]SSSWGPQMSA